The following is an entry in ClinVar:

NM_001127178.3(PIGG):c.1996C>T (p.Arg666Trp)

Gene: PIGG (phosphatidylinositol glycan anchor biosynthesis class G (EMM blood group); plus strand). Cytogenetic location: 4p16.3.
Variant type: single nucleotide variant.
Coding change: c.1996C>T on transcript NM_001127178.3 (MANE Select); coding-DNA position 1996, C replaced by T.
Protein change: p.Arg666Trp; replaces arginine 666 with tryptophan.
Molecular consequence: missense variant. On other transcripts: non-coding transcript variant (6).
Genome position (GRCh38, 1-based): chr4:523,840, C>T. VCF-style: chr4-523840-C-T. GRCh37 (hg19) VCF-style: chr4-517629-C-T.
Other names: c.1729C>T, p.Arg577Trp (NM_001289051.2, NM_001345986.2); c.1597C>T, p.Arg533Trp (NM_001289052.2); c.1705C>T, p.Arg569Trp (NM_001345987.2); c.967C>T, p.Arg323Trp (NM_001345988.2); c.463C>T, p.Arg155Trp (NM_001345990.2, NM_001345991.2); c.898C>T, p.Arg300Trp (NM_001345994.2); c.1972C>T, p.Arg658Trp (NM_017733.5); short protein forms R569W, R658W, R300W, R533W, R155W, R577W, R323W, R666W.
Identifiers: ClinVar variation 2201469 (VCV002201469.4), dbSNP rs779754906, ClinGen allele CA2793500.

ClinVar aggregate classification (germline): Uncertain significance (1 of 4 stars; one submission).

Conditions:
Intellectual disability, autosomal recessive 53 (NEDHSCA). Also called: GLYCOSYLPHOSPHATIDYLINOSITOL BIOSYNTHESIS DEFECT 13; Mental retardation, autosomal recessive 53; NEURODEVELOPMENTAL DISORDER WITH OR WITHOUT HYPOTONIA, SEIZURES, AND CEREBELLAR ATROPHY. Identifiers: Orphanet 488635, MedGen C4310794, MONDO:0014832, OMIM 616917.

Allele frequency attached by ClinVar (database versions not stated): gnomAD 0.00001; gnomAD exomes 0.00002; TOPMed 0.00002; ExAC 0.00007.
gnomAD v4.1: 28 of 1,602,706 alleles (0.0017%); highest among the groups gnomAD compares: South Asian, 0.0022%; no homozygotes.

Submission:

Labcorp Genetics (formerly Invitae), Labcorp
Classification: Uncertain significance for Intellectual disability, autosomal recessive 53. Last evaluated: 2022-04-22. Review status: criteria provided, single submitter. Criteria: Invitae Variant Classification Sherloc (09022015). Collection method: clinical testing. Allele origin: germline.
Comment: In summary, the available evidence is currently insufficient to determine the role of this variant in disease. Therefore, it has been classified as a Variant of Uncertain Significance. Algorithms developed to predict the effect of missense changes on protein structure and function are either unavailable or do not agree on the potential impact of this missense change (SIFT: "Deleterious"; PolyPhen-2: "Probably Damaging"; Align-GVGD: "Class C0"). This variant has not been reported in the literature in individuals affected with PIGG-related conditions. This variant is present in population databases (rs779754906, gnomAD 0.04%). This sequence change replaces arginine, which is basic and polar, with tryptophan, which is neutral and slightly polar, at codon 666 of the PIGG protein (p.Arg666Trp).